The following is an entry in ClinVar:

ClinVar aggregate classification (germline): Uncertain significance (1 of 4 stars; one submission).

Conditions:
Familial thoracic aortic aneurysm and aortic dissection (TAAD). Also called: Thoracic aortic aneurysms and dissections. Identifiers: Orphanet 91387, MedGen C4707243, MONDO:0019625.

Allele frequency attached by ClinVar (database versions not stated): gnomAD 0.00001; TOPMed 0.00001.
gnomAD v4.1: 2 of 1,613,670 alleles (0.00012%); highest among the groups gnomAD compares: African/African-American, 0.0027%; no homozygotes.

Submission:

Color Diagnostics, LLC DBA Color Health
Classification: Uncertain significance for Familial thoracic aortic aneurysm and aortic dissection. Last evaluated: 2022-12-24. Review status: criteria provided, single submitter. Criteria: ACMG Guidelines, 2015. Collection method: clinical testing. Allele origin: germline.
Comment: This variant is located in the FBN1 protein. To our knowledge, functional studies have not been reported for this variant. This variant has not been reported in individuals affected with FBN1-related disorders in the literature. This variant has been identified in 1/251344 chromosomes in the general population by the Genome Aggregation Database (gnomAD). The available evidence is insufficient to determine the role of this variant in disease conclusively. Therefore, this variant is classified as a Variant of Uncertain Significance.

NM_000138.5(FBN1):c.2373C>T (p.Thr791=)

Gene: FBN1 (fibrillin 1; minus strand). Cytogenetic location: 15q21.1.
Variant type: single nucleotide variant.
Coding change: c.2373C>T on transcript NM_000138.5 (MANE Select); coding-DNA position 2373, C replaced by T.
Protein change: p.Thr791=; no amino-acid change (threonine 791 retained).
Molecular consequence: synonymous variant.
Genome position (GRCh38, 1-based): chr15:48,496,146, G>A on the plus strand (C>T on the coding strand, the complement: FBN1 is on the minus strand). VCF-style: chr15-48496146-G-A. GRCh37 (hg19) VCF-style: chr15-48788343-G-A.
Other names: c.2373C>T, p.Thr791= (NM_001406716.1).
Identifiers: ClinVar variation 2773376 (VCV002773376.2), dbSNP rs1031628317, ClinGen allele CA269539160.
Genomic context (GRCh38, chr15:48,496,146, plus strand): 5'-AAAATATGGTTTACCTTCACATGTTTTTAGATCAGGTTTGTAGATAAATCCCTTGGGGCA[G>A]GTACAGACAAAACTTCCAGGAGTATTTCTACATTGTCCATTGTCACAAAGGAGACTGTTC-3'
Protein context (NP_000129.3, residues 781-801): CRNTPGSFVC[Thr791=]CPKGFIYKPD